The following is an entry in ClinVar:

ClinVar aggregate classification (germline): Uncertain significance (1 of 4 stars; one submission).

Conditions:
Familial adenomatous polyposis 1 (FAP1). Also called: POLYPOSIS, ADENOMATOUS INTESTINAL; FAMILIAL ADENOMATOUS POLYPOSIS 1, ATTENUATED. Identifiers: MedGen C2713442, MONDO:0021056, OMIM 175100. Disease mechanism: loss of function.

Submission:

Labcorp Genetics (formerly Invitae), Labcorp
Classification: Uncertain significance for Familial adenomatous polyposis 1. Last evaluated: 2024-05-15. Review status: criteria provided, single submitter. Criteria: Invitae Variant Classification Sherloc (09022015). Collection method: clinical testing. Allele origin: germline.
Comment: This sequence change replaces cysteine, which is neutral and slightly polar, with serine, which is neutral and polar, at codon 575 of the APC protein (p.Cys575Ser). This variant is not present in population databases (gnomAD no frequency). This variant has not been reported in the literature in individuals affected with APC-related conditions. Advanced modeling of protein sequence and biophysical properties (such as structural, functional, and spatial information, amino acid conservation, physicochemical variation, residue mobility, and thermodynamic stability) performed at Invitae indicates that this missense variant is not expected to disrupt APC protein function with a negative predictive value of 95%. In summary, the available evidence is currently insufficient to determine the role of this variant in disease. Therefore, it has been classified as a Variant of Uncertain Significance.

NM_000038.6(APC):c.1724G>C (p.Cys575Ser)

Gene: APC (APC regulator of Wnt signaling pathway; plus strand). Cytogenetic location: 5q22.2.
Variant type: single nucleotide variant.
Coding change: c.1724G>C on transcript NM_000038.6 (MANE Select); coding-DNA position 1724, G replaced by C.
Protein change: p.Cys575Ser; replaces cysteine 575 with serine.
Molecular consequence: missense variant.
Genome position (GRCh38, 1-based): chr5:112,828,953, G>C. VCF-style: chr5-112828953-G-C. GRCh37 (hg19) VCF-style: chr5-112164650-G-C.
Other names: c.1724G>C, p.Cys575Ser (NM_001127510.3, NM_001354895.2, NM_001407450.1); c.1670G>C, p.Cys557Ser (NM_001127511.3); c.1778G>C, p.Cys593Ser (NM_001354896.2, NM_001407447.1, NM_001407448.1 and 1 more transcripts); c.1754G>C, p.Cys585Ser (NM_001354897.2); c.1649G>C, p.Cys550Ser (NM_001354898.2); c.1640G>C, p.Cys547Ser (NM_001354899.2); c.1601G>C, p.Cys534Ser (NM_001354900.2); c.1547G>C, p.Cys516Ser (NM_001354901.2, NM_001407453.1); and 11 more; short protein forms C474S, C550S, C565S, C593S, C449S, C492S, C557S, C585S.
Identifiers: ClinVar variation 2835978 (VCV002835978.3), dbSNP rs2149818325, ClinGen allele CA16025079.
Genomic context (GRCh38, chr5:112,828,953, plus strand): 5'-CAGATGTAAATAGTAAAAAGACGTTGCGAGAAGTTGGAAGTGTGAAAGCATTGATGGAAT[G>C]TGCTTTAGAAGTTAAAAAGGTACCTTTGAAAACATTTAGTACTATAATATGAATTTCATG-3'
Protein context (NP_000029.2, residues 565-585): EVGSVKALME[Cys575Ser]ALEVKKESTL